The following is an entry in ClinVar:

NM_002617.4(PEX10):c.641G>A (p.Arg214His)

Gene: PEX10 (peroxisomal biogenesis factor 10; minus strand). Cytogenetic location: 1p36.32.
Variant type: single nucleotide variant.
Coding change: c.641G>A on transcript NM_002617.4 (MANE Select); coding-DNA position 641, G replaced by A.
Protein change: p.Arg214His; replaces arginine 214 with histidine.
Molecular consequence: missense variant. On other transcripts: non-coding transcript variant (1).
Genome position (GRCh38, 1-based): chr1:2,406,855, C>T on the plus strand (G>A on the coding strand, the complement: PEX10 is on the minus strand). VCF-style: chr1-2406855-C-T. GRCh37 (hg19) VCF-style: chr1-2338294-C-T.
Other names: c.698G>A, p.Arg233His (NM_001374425.1); c.266G>A, p.Arg89His (NM_001374426.1); c.209G>A, p.Arg70His (NM_001374427.1); c.701G>A, p.Arg234His (NM_153818.2); c.701G>A (NM_153818.1); short protein forms R234H, R214H, R233H, R70H, R89H.
Identifiers: ClinVar variation 291156 (VCV000291156.9), dbSNP rs368143757, ClinGen allele CA538079.

ClinVar aggregate classification (germline): Uncertain significance. Review status: criteria provided, multiple submitters, no conflicts (2 of 4 stars). 3 submissions from 3 submitters: Uncertain significance (3). Last evaluated 2024-12-03.

Conditions:
Peroxisome biogenesis disorder, complementation group 7 (CG7). Also called: Peroxisome biogenesis disorder, complementation group B. Identifiers: MedGen C1864399.
Inborn genetic diseases. Identifiers: MedGen C0950123, MeSH D030342.

Allele frequency attached by ClinVar (database versions not stated): TOPMed 0.00004; ESP Exome Variant Server 0.00008; gnomAD 0.00008 and 0.00009.

Submissions (3):

Labcorp Genetics (formerly Invitae), Labcorp
Classification: Uncertain significance for Peroxisome biogenesis disorder, complementation group 7. Last evaluated: 2024-12-03. Review status: criteria provided, single submitter. Criteria: Invitae Variant Classification Sherloc (09022015). Collection method: clinical testing. Allele origin: germline.
Comment: This sequence change replaces arginine, which is basic and polar, with histidine, which is basic and polar, at codon 234 of the PEX10 protein (p.Arg234His). This variant is present in population databases (rs368143757, gnomAD 0.009%). This variant has not been reported in the literature in individuals affected with PEX10-related conditions. ClinVar contains an entry for this variant (Variation ID: 291156). An algorithm developed to predict the effect of missense changes on protein structure and function outputs the following: PolyPhen-2: "Benign". The histidine amino acid residue is found in multiple mammalian species, which suggests that this missense change does not adversely affect protein function. In summary, the available evidence is currently insufficient to determine the role of this variant in disease. Therefore, it has been classified as a Variant of Uncertain Significance.

Ambry Genetics
Classification: Uncertain significance for Inborn genetic diseases. Last evaluated: 2021-09-01. Review status: criteria provided, single submitter. Criteria: Ambry Variant Classification Scheme 2023. Collection method: clinical testing. Allele origin: germline.

Eurofins Ntd Llc (ga)
Classification: Uncertain significance. Last evaluated: 2016-09-08. Review status: criteria provided, single submitter. Criteria: EGL Classification Definitions 2015. Collection method: clinical testing. Allele origin: germline. Observed: 1 variant allele, 1 heterozygote.